The following is an entry in ClinVar:

ClinVar aggregate classification (germline): Uncertain significance. Review status: criteria provided, multiple submitters, no conflicts (2 of 4 stars). 2 submissions from 2 submitters: Uncertain significance (2). Last evaluated 2025-08-05.

Conditions:
Intellectual disability, autosomal recessive 53 (NEDHSCA). Also called: GLYCOSYLPHOSPHATIDYLINOSITOL BIOSYNTHESIS DEFECT 13; Mental retardation, autosomal recessive 53; NEURODEVELOPMENTAL DISORDER WITH OR WITHOUT HYPOTONIA, SEIZURES, AND CEREBELLAR ATROPHY. Identifiers: Orphanet 488635, MedGen C4310794, MONDO:0014832, OMIM 616917.
Inborn genetic diseases. Identifiers: MedGen C0950123, MeSH D030342.

Allele frequency attached by ClinVar (database versions not stated): gnomAD exomes 0.00001; TOPMed 0.00002; gnomAD 0.00001.
gnomAD v4.1: 14 of 1,613,284 alleles (0.00087%); highest among the groups gnomAD compares: Non-Finnish European, 0.0012%; no homozygotes.

Submissions (2):

Ambry Genetics
Classification: Uncertain significance for Inborn genetic diseases. Last evaluated: 2025-08-05. Review status: criteria provided, single submitter. Criteria: Ambry Variant Classification Scheme 2023. Collection method: clinical testing. Allele origin: germline.

Baylor Genetics
Classification: Uncertain significance for Intellectual disability, autosomal recessive 53. Last evaluated: 2018-03-15. Review status: criteria provided, single submitter. Criteria: ACMG Guidelines, 2015. Collection method: clinical testing. Allele origin: paternal. Affected: yes.
Comment: This variant was determined to be of uncertain significance according to ACMG Guidelines, 2015 [PMID:25741868].

NM_001127178.3(PIGG):c.908T>C (p.Ile303Thr)

Gene: PIGG (phosphatidylinositol glycan anchor biosynthesis class G (EMM blood group); plus strand). Cytogenetic location: 4p16.3.
Variant type: single nucleotide variant.
Coding change: c.908T>C on transcript NM_001127178.3 (MANE Select); coding-DNA position 908, T replaced by C.
Protein change: p.Ile303Thr; replaces isoleucine 303 with threonine.
Molecular consequence: missense variant. On other transcripts: 5 prime UTR variant (4), non-coding transcript variant (10).
Genome position (GRCh38, 1-based): chr4:515,979, T>C. VCF-style: chr4-515979-T-C. GRCh37 (hg19) VCF-style: chr4-509768-T-C.
Other names: c.641T>C, p.Ile214Thr (NM_001289051.2, NM_001289053.2, NM_001289057.2 and 2 more transcripts); c.509T>C, p.Ile170Thr (NM_001289052.2); c.542T>C, p.Ile181Thr (NM_001289055.2); c.-122T>C (NM_001345988.2); c.908T>C, p.Ile303Thr (NM_001345989.2, NM_017733.5); c.-718T>C (NM_001345990.2); c.-580T>C (NM_001345991.2); c.-305T>C (NM_001345994.2); short protein forms I170T, I181T, I303T, I214T.
Identifiers: ClinVar variation 1033710 (VCV001033710.2), dbSNP rs1459250449, ClinGen allele CA355901731.